The following is an entry in ClinVar:

NM_017617.5(NOTCH1):c.4571C>T (p.Ala1524Val)

Gene: NOTCH1 (notch receptor 1; minus strand). Cytogenetic location: 9q34.3.
Variant type: single nucleotide variant.
Coding change: c.4571C>T on transcript NM_017617.5 (MANE Select); coding-DNA position 4571, C replaced by T.
Protein change: p.Ala1524Val; replaces alanine 1524 with valine.
Molecular consequence: missense variant.
Genome position (GRCh38, 1-based): chr9:136,505,325, G>A on the plus strand (C>T on the coding strand, the complement: NOTCH1 is on the minus strand). VCF-style: chr9-136505325-G-A. GRCh37 (hg19) VCF-style: chr9-139399777-G-A.
Other names: c.4571C>T, p.Ala1524Val (LRG_1122t1); short protein forms A1524V.
Identifiers: ClinVar variation 451661 (VCV000451661.37), dbSNP rs774374213, ClinGen allele CA5340591.
Genomic context (GRCh38, chr9:136,505,325, plus strand): 5'-CCAAGTTCAGGTCCTCCCTCAGCCCCATGAGCCCCGCAGCCTTACTTGCACTGGCCTTCC[G>A]CACGCTGGCAGTCAAAGCCGTCGAAGAGGCAGCCGGCTGAGTTGCACTGGCTGTCACAGT-3'
Protein context (NP_060087.3, residues 1514-1534): CLFDGFDCQR[Ala1524Val]EGQCNPLYDQ

ClinVar aggregate classification (germline): Conflicting classifications of pathogenicity. Review status: criteria provided, conflicting classifications (1 of 4 stars). 6 submissions from 5 submitters: Uncertain significance (4); Benign (1); Likely benign (1). Last evaluated 2025-12-23.

Conditions:
Adams-Oliver syndrome 5 (AOS5). Identifiers: Orphanet 974, MedGen C4014970, MONDO:0014459, OMIM 616028.
Aortic valve disease 1 (AOVD1). Identifiers: MedGen C3887892, MONDO:0024523, OMIM 109730.

Allele frequency attached by ClinVar (database versions not stated): gnomAD 0.00001; gnomAD exomes 0.00002; TOPMed 0.00002; ExAC 0.00003.

Submissions (6):

Labcorp Genetics (formerly Invitae), Labcorp
Classification: Benign for Adams-Oliver syndrome 5. Last evaluated: 2025-12-23. Review status: criteria provided, single submitter. Criteria: Invitae Variant Classification Sherloc (09022015). Collection method: clinical testing. Allele origin: germline.

GeneDx
Classification: Uncertain significance. Last evaluated: 2025-12-17. Review status: criteria provided, single submitter. Criteria: GeneDx Variant Classification Process June 2021. Collection method: clinical testing. Allele origin: germline. Affected: yes.
Comment: Not observed at significant frequency in large population cohorts (gnomAD); In silico analysis suggests that this missense variant does not alter protein structure/function; Has not been previously published as pathogenic or benign to our knowledge

Women's Health and Genetics/Laboratory Corporation of America, LabCorp
Classification: Likely benign. Last evaluated: 2023-11-15. Review status: criteria provided, single submitter. Criteria: LabCorp Variant Classification Summary - May 2015. Collection method: clinical testing. Allele origin: germline.
Comment: Variant summary: NOTCH1 c.4571C>T (p.Ala1524Val) results in a non-conservative amino acid change located in the Notch domain (IPR000800) of the encoded protein sequence. Four of five in-silico tools predict a benign effect of the variant on protein function. The variant allele was found at a frequency of 1.5e-05 in 1581660 control chromosomes (gnomAD v4.0.0). The observed variant frequency is approximately 23 fold of the estimated maximal expected allele frequency for a pathogenic variant in NOTCH1 causing Adams-Oliver Syndrome 5 phenotype (6.3e-07), strongly suggesting that the variant is benign. To our knowledge, no occurrence of c.4571C>T in individuals affected with Adams-Oliver Syndrome 5 and no experimental evidence demonstrating its impact on protein function have been reported. Three submitters have reported this variant to ClinVar after 2014 with conflicting assessments (benign, n = 1; VUS, n = 2). Based on the evidence outlined above, the variant was classified as likely benign.

CeGaT Center for Human Genetics Tuebingen
Classification: Uncertain significance. Last evaluated: 2022-12-01. Review status: criteria provided, single submitter. Criteria: CeGaT Center For Human Genetics Tuebingen Variant Classification Criteria Version 2. Collection method: clinical testing. Allele origin: germline. Affected: yes. Observed: 1 variant allele.
Comment: NOTCH1: PP2, BP4

Genome-Nilou Lab
Classification: Uncertain significance for Adams-Oliver syndrome 5. Last evaluated: 2022-03-15. Review status: criteria provided, single submitter. Criteria: ACMG Guidelines, 2015. Collection method: clinical testing. Allele origin: germline. Affected: no.

Genome-Nilou Lab
Classification: Uncertain significance for Aortic valve disease 1. Last evaluated: 2022-03-15. Review status: criteria provided, single submitter. Criteria: ACMG Guidelines, 2015. Collection method: clinical testing. Allele origin: germline. Affected: no.